The following is an entry in ClinVar:

ClinVar aggregate classification (germline): Likely benign (1 of 4 stars; one submission).

Submission:

CeGaT Center for Human Genetics Tuebingen
Classification: Likely benign. Last evaluated: 2025-11-01. Review status: criteria provided, single submitter. Criteria: CeGaT Center For Human Genetics Tuebingen Variant Classification Criteria Version 2. Collection method: clinical testing. Allele origin: germline. Affected: yes. Observed: 1 variant allele.
Comment: DSPP: BP4, BP7

NM_014208.3(DSPP):c.2739C>T (p.Asp913=)

Genes: DMP1-AS1 (DMP1 and DSPP antisense RNA 1; minus strand), DSPP (dentin sialophosphoprotein; plus strand). Cytogenetic location: 4q22.1.
Variant type: single nucleotide variant.
Coding change: c.2739C>T on transcript NM_014208.3 (MANE Select); coding-DNA position 2739, C replaced by T.
Protein change: p.Asp913=; no amino-acid change (aspartic acid 913 retained).
Molecular consequence: synonymous variant.
Genome position (GRCh38, 1-based): chr4:87,615,401, C>T. VCF-style: chr4-87615401-C-T. GRCh37 (hg19) VCF-style: chr4-88536553-C-T.
Identifiers: ClinVar variation 4533491 (VCV004533491.6).